The following is an entry in ClinVar:

ClinVar aggregate classification (germline): Uncertain significance. Review status: criteria provided, multiple submitters, no conflicts (2 of 4 stars). 2 submissions from 2 submitters: Uncertain significance (2). Last evaluated 2024-04-30.

Allele frequency attached by ClinVar (database versions not stated): 1000 Genomes Project 30x 0.00016; 1000 Genomes Project 0.00020.
gnomAD v4.1: 14 of 1,614,056 alleles (0.00087%); highest among the groups gnomAD compares: South Asian, 0.0044%; no homozygotes.

Submissions (2):

Labcorp Genetics (formerly Invitae), Labcorp
Classification: Uncertain significance. Last evaluated: 2024-04-30. Review status: criteria provided, single submitter. Criteria: Invitae Variant Classification Sherloc (09022015). Collection method: clinical testing. Allele origin: germline.
Comment: This sequence change replaces threonine, which is neutral and polar, with methionine, which is neutral and non-polar, at codon 1076 of the NPAT protein (p.Thr1076Met). This variant is present in population databases (rs574403547, gnomAD 0.01%). This variant has not been reported in the literature in individuals affected with NPAT-related conditions. ClinVar contains an entry for this variant (Variation ID: 1729136). An algorithm developed to predict the effect of missense changes on protein structure and function (PolyPhen-2) suggests that this variant is likely to be tolerated. In summary, the available evidence is currently insufficient to determine the role of this variant in disease. Therefore, it has been classified as a Variant of Uncertain Significance.

Ambry Genetics
Classification: Uncertain significance. Last evaluated: 2023-12-22. Review status: criteria provided, single submitter. Criteria: Ambry Variant Classification Scheme 2023. Collection method: clinical testing. Allele origin: germline.
Comment: The p.T1076M variant (also known as c.3227C>T), located in coding exon 17 of the NPAT gene, results from a C to T substitution at nucleotide position 3227. The threonine at codon 1076 is replaced by methionine, an amino acid with similar properties. This amino acid position is conserved. In addition, this alteration is predicted to be tolerated by in silico analysis. Since supporting evidence is limited at this time, the clinical significance of this alteration remains unclear.

NM_002519.3(NPAT):c.3227C>T (p.Thr1076Met)

Gene: NPAT (nuclear protein, coactivator of histone transcription; minus strand). Cytogenetic location: 11q22.3.
Variant type: single nucleotide variant.
Coding change: c.3227C>T on transcript NM_002519.3 (MANE Select); coding-DNA position 3227, C replaced by T.
Protein change: p.Thr1076Met; replaces threonine 1076 with methionine.
Molecular consequence: missense variant.
Genome position (GRCh38, 1-based): chr11:108,161,859, G>A on the plus strand (C>T on the coding strand, the complement: NPAT is on the minus strand). VCF-style: chr11-108161859-G-A. GRCh37 (hg19) VCF-style: chr11-108032586-G-A.
Other names: c.3248C>T, p.Thr1083Met (NM_001321307.1); short protein forms T1076M, T1083M.
Identifiers: ClinVar variation 1729136 (VCV001729136.4), dbSNP rs574403547, ClinGen allele CA6263615.